The following is an entry in ClinVar:

ClinVar aggregate classification (germline): Likely benign (1 of 4 stars; one submission).

Allele frequency attached by ClinVar (database versions not stated): 1000 Genomes Project 0.00240; 1000 Genomes Project 30x 0.00265; TOPMed 0.00594; gnomAD 0.00619.
gnomAD v4.1: 895 of 151,258 alleles (0.59%); highest among the groups gnomAD compares: Non-Finnish European, 0.8%; 2 homozygotes.

Submission:

GeneDx
Classification: Likely benign. Last evaluated: 2018-06-14. Review status: criteria provided, single submitter. Criteria: GeneDx Variant Classification (06012015). Collection method: clinical testing. Allele origin: germline. Affected: yes.
Comment: This variant is considered likely benign or benign based on one or more of the following criteria: it is a conservative change, it occurs at a poorly conserved position in the protein, it is predicted to be benign by multiple in silico algorithms, and/or has population frequency not consistent with disease.

NM_144670.6(A2ML1):c.644-206G>T

Gene: A2ML1 (alpha-2-macroglobulin like 1; plus strand). Cytogenetic location: 12p13.31.
Variant type: single nucleotide variant.
Coding change: c.644-206G>T on transcript NM_144670.6 (MANE Select); 206 bases into the intron before coding-DNA position 644, G replaced by T.
Molecular consequence: intron variant.
Genome position (GRCh38, 1-based): chr12:8,836,049, G>T. VCF-style: chr12-8836049-G-T. GRCh37 (hg19) VCF-style: chr12-8988645-G-T.
Identifiers: ClinVar variation 561574 (VCV000561574.1), dbSNP rs73038703, ClinGen allele CA232670073.